The following is an entry in ClinVar:

NM_001351132.2(PEX5):c.715C>T (p.Gln239Ter)

Gene: PEX5 (peroxisomal biogenesis factor 5; plus strand). Cytogenetic location: 12p13.31.
Variant type: single nucleotide variant.
Coding change: c.715C>T on transcript NM_001351132.2 (MANE Select); coding-DNA position 715, C replaced by T.
Protein change: p.Gln239Ter; replaces glutamine 239 with a stop codon.
Molecular consequence: nonsense. On other transcripts: intron variant (15).
Genome position (GRCh38, 1-based): chr12:7,202,313, C>T. VCF-style: chr12-7202313-C-T. GRCh37 (hg19) VCF-style: chr12-7354909-C-T.
Other names: c.715C>T, p.Gln239Ter (NM_000319.5, NM_001131025.2, NM_001131026.2 and 6 more transcripts); c.760C>T, p.Gln254Ter (NM_001131023.2); c.643-299C>T (NM_001351124.3, NM_001351126.2, NM_001374646.1 and 10 more transcripts); c.688-299C>T (NM_001351135.3, NM_001351138.2); short protein forms Q239*, Q254*.
Identifiers: ClinVar variation 2711278 (VCV002711278.3), dbSNP rs1425522784, ClinGen allele CA383722987.

ClinVar aggregate classification (germline): Pathogenic (1 of 4 stars; one submission).

Conditions:
Peroxisome biogenesis disorder 2B (PBD2B). Identifiers: Orphanet 44, MedGen C3550234, MONDO:0008736, OMIM 202370.

Submission:

Labcorp Genetics (formerly Invitae), Labcorp
Classification: Pathogenic for Peroxisome biogenesis disorder 2B. Last evaluated: 2024-01-25. Review status: criteria provided, single submitter. Criteria: Invitae Variant Classification Sherloc (09022015). Collection method: clinical testing. Allele origin: germline.
Comment: This sequence change creates a premature translational stop signal (p.Gln239*) in the PEX5 gene. It is expected to result in an absent or disrupted protein product. Loss-of-function variants in PEX5 are known to be pathogenic (PMID: 18712838, 21031596). This variant is not present in population databases (gnomAD no frequency). This variant has not been reported in the literature in individuals affected with PEX5-related conditions. Algorithms developed to predict the effect of sequence changes on RNA splicing suggest that this variant may disrupt the consensus splice site. For these reasons, this variant has been classified as Pathogenic.

Literature cited by the submitters: PubMed 18712838; PubMed 21031596.